The following is an entry in ClinVar:

ClinVar aggregate classification (germline): Likely benign. Review status: criteria provided, multiple submitters, no conflicts (2 of 4 stars). 2 submissions from 2 submitters: Likely benign (2). Last evaluated 2023-10-20.

Conditions:
Progressive sclerosing poliodystrophy (MTDPS4A). Also called: ALPERS DIFFUSE DEGENERATION OF CEREBRAL GRAY MATTER WITH HEPATIC CIRRHOSIS; Alpers-Huttenlocher Syndrome; Mitochondrial DNA depletion syndrome 4A (Alpers type); ALPERS PROGRESSIVE INFANTILE POLIODYSTROPHY; Alpers Syndrome; Mitochondrial DNA Depletion Syndrome 4A. Identifiers: Orphanet 726, MedGen C0205710, MONDO:0008758, OMIM 203700.

Allele frequency attached by ClinVar (database versions not stated): gnomAD exomes below 0.00001.
gnomAD v4.1: 1 of 1,613,954 alleles (0.000062%); highest among the groups gnomAD compares: Non-Finnish European, 0.000085%; no homozygotes.

Submissions (2):

Labcorp Genetics (formerly Invitae), Labcorp
Classification: Likely benign for Progressive sclerosing poliodystrophy. Last evaluated: 2023-10-20. Review status: criteria provided, single submitter. Criteria: Invitae Variant Classification Sherloc (09022015). Collection method: clinical testing. Allele origin: germline.

CeGaT Center for Human Genetics Tuebingen
Classification: Likely benign. Last evaluated: 2023-10-01. Review status: criteria provided, single submitter. Criteria: CeGaT Center For Human Genetics Tuebingen Variant Classification Criteria Version 2. Collection method: clinical testing. Allele origin: germline. Affected: yes. Observed: 1 variant allele.
Comment: POLG: PM2:Supporting, BP4, BP7

NM_002693.3(POLG):c.768C>T (p.Pro256=)

Gene: POLG (DNA polymerase gamma, catalytic subunit; minus strand). Cytogenetic location: 15q26.1.
Variant type: single nucleotide variant.
Coding change: c.768C>T on transcript NM_002693.3 (MANE Select); coding-DNA position 768, C replaced by T.
Protein change: p.Pro256=; no amino-acid change (proline 256 retained).
Molecular consequence: synonymous variant.
Genome position (GRCh38, 1-based): chr15:89,330,168, G>A on the plus strand (C>T on the coding strand, the complement: POLG is on the minus strand). VCF-style: chr15-89330168-G-A. GRCh37 (hg19) VCF-style: chr15-89873399-G-A.
Other names: c.768C>T, p.Pro256= (NM_001126131.2).
Identifiers: ClinVar variation 2073605 (VCV002073605.28), dbSNP rs2509265392, ClinGen allele CA492080446.